The following is an entry in ClinVar:

NM_001458.5(FLNC):c.970-3T>C

Gene: FLNC (filamin C; plus strand). Cytogenetic location: 7q32.1.
Variant type: single nucleotide variant.
Coding change: c.970-3T>C on transcript NM_001458.5 (MANE Select); 3 bases into the intron before coding-DNA position 970, T replaced by C.
Molecular consequence: intron variant.
Genome position (GRCh38, 1-based): chr7:128,837,984, T>C. VCF-style: chr7-128837984-T-C. GRCh37 (hg19) VCF-style: chr7-128478038-T-C.
Other names: c.970-3T>C (NM_001127487.2).
Identifiers: ClinVar variation 1509205 (VCV001509205.8), dbSNP rs1250140261, ClinGen allele CA833134077.

ClinVar aggregate classification (germline): Uncertain significance. Review status: criteria provided, multiple submitters, no conflicts (2 of 4 stars). 2 submissions from 2 submitters: Uncertain significance (2). Last evaluated 2025-07-27.

Conditions:
Myofibrillar myopathy 5. Also called: Filaminopathy (type); FILAMINOPATHY, AUTOSOMAL DOMINANT. Identifiers: Orphanet 171445, MedGen C1836050, MONDO:0012289, OMIM 609524.
Distal myopathy with posterior leg and anterior hand involvement. Also called: WILLIAMS DISTAL MYOPATHY. Identifiers: Orphanet 63273, MedGen C3279722, MONDO:0013550, OMIM 614065.
Hypertrophic cardiomyopathy 26. Also called: Cardiomyopathy, familial hypertrophic, 26. Identifiers: Orphanet 75249, MedGen C4310749, MONDO:0014883, OMIM 617047.
Cardiovascular phenotype. Identifiers: MedGen CN230736.

Allele frequency attached by ClinVar (database versions not stated): gnomAD exomes below 0.00001; TOPMed below 0.00001; gnomAD 0.00001.
gnomAD v4.1: 2 of 1,613,380 alleles (0.00012%); highest among the groups gnomAD compares: East Asian, 0.0022%; no homozygotes.

Submissions (2):

Labcorp Genetics (formerly Invitae), Labcorp
Classification: Uncertain significance for Distal myopathy with posterior leg and anterior hand involvement; Myofibrillar myopathy 5; Hypertrophic cardiomyopathy 26. Last evaluated: 2025-07-27. Review status: criteria provided, single submitter. Criteria: Invitae Variant Classification Sherloc (09022015). Collection method: clinical testing. Allele origin: germline.
Comment: This sequence change falls in intron 5 of the FLNC gene. It does not directly change the encoded amino acid sequence of the FLNC protein. It affects a nucleotide within the consensus splice site. This variant is not present in population databases (gnomAD no frequency). This variant has not been reported in the literature in individuals affected with FLNC-related conditions. ClinVar contains an entry for this variant (Variation ID: 1509205). Variants that disrupt the consensus splice site are a relatively common cause of aberrant splicing (PMID: 17576681, 9536098). Algorithms developed to predict the effect of sequence changes on RNA splicing suggest that this variant is not likely to affect RNA splicing. In summary, the available evidence is currently insufficient to determine the role of this variant in disease. Therefore, it has been classified as a Variant of Uncertain Significance.

Ambry Genetics
Classification: Uncertain significance for Cardiovascular phenotype. Last evaluated: 2022-06-02. Review status: criteria provided, single submitter. Criteria: Ambry Variant Classification Scheme 2023. Collection method: clinical testing. Allele origin: germline.
Comment: The c.970-3T>C intronic variant results from a T to C substitution 3 nucleotides upstream from coding exon 6 in the FLNC gene. This nucleotide position is poorly conserved in available vertebrate species. In silico splice site analysis predicts that this alteration will not have any significant effect on splicing. Since supporting evidence is limited at this time, the clinical significance of this alteration remains unclear.

Literature cited by the submitters: PubMed 17576681 (cited by Labcorp Genetics (formerly Invitae), Labcorp); PubMed 9536098 (cited by Labcorp Genetics (formerly Invitae), Labcorp).